The following is an entry in ClinVar:

NM_001039958.2(MESP2):c.292del (p.Ala98fs)

Genes: MESP2 (mesoderm posterior bHLH transcription factor 2; plus strand), LOC130057891 (ATAC-STARR-seq lymphoblastoid silent region 6806; plus strand). Cytogenetic location: 15q26.1.
Variant type: Deletion.
Coding change: c.292del on transcript NM_001039958.2 (MANE Select); coding-DNA position 292, one base deleted (G; older notation c.292delG).
Protein change: p.Ala98fs; shifts the reading frame from alanine 98.
Molecular consequence: frameshift variant.
Genome position (GRCh38, 1-based): chr15:89,776,649, G deleted; the last of 2 consecutive G bases (chr15:89,776,648-89,776,649); deleting either gives the same sequence. VCF-style (leftmost placement, unchanged base first): chr15-89776647-TG-T. GRCh37 (hg19) VCF-style: chr15-90319878-TG-T.
Other names: short protein forms A98fs.
Identifiers: ClinVar variation 1973963 (VCV001973963.5), dbSNP rs2505185594, ClinGen allele CA2575831329.
Genomic context (GRCh38, chr15:89,776,647, plus strand): 5'-GACCAGCGGGCGGACAGCGGCAGAGCGCCAGCGAGCGGGAGAAACTGCGCATGCGCACGC[TG>T]GCCCGCGCCCTGCACGAGTTGCGCCGCTTTCTGCCTCCCTCCTTGGCGCCGGCCGGCCAG-3'

ClinVar aggregate classification (germline): Pathogenic (1 of 4 stars; one submission).

Submission:

Labcorp Genetics (formerly Invitae), Labcorp
Classification: Pathogenic. Last evaluated: 2025-03-17. Review status: criteria provided, single submitter. Criteria: Invitae Variant Classification Sherloc (09022015). Collection method: clinical testing. Allele origin: germline.
Comment: This sequence change creates a premature translational stop signal (p.Ala98Profs*22) in the MESP2 gene. It is expected to result in an absent or disrupted protein product. Loss-of-function variants in MESP2 are known to be pathogenic (PMID: 9242490, 18485326). This variant is not present in population databases (gnomAD no frequency). This variant has not been reported in the literature in individuals affected with MESP2-related conditions. ClinVar contains an entry for this variant (Variation ID: 1973963). For these reasons, this variant has been classified as Pathogenic.

Literature cited by the submitters: PubMed 9242490; PubMed 18485326.